The following is an entry in ClinVar:

NM_000081.4(LYST):c.3092A>G (p.Lys1031Arg)

Gene: LYST (lysosomal trafficking regulator; minus strand). Cytogenetic location: 1q42.3.
Variant type: single nucleotide variant.
Coding change: c.3092A>G on transcript NM_000081.4 (MANE Select); coding-DNA position 3092, A replaced by G.
Protein change: p.Lys1031Arg; replaces lysine 1031 with arginine.
Molecular consequence: missense variant.
Genome position (GRCh38, 1-based): chr1:235,806,044, T>C on the plus strand (A>G on the coding strand, the complement: LYST is on the minus strand). VCF-style: chr1-235806044-T-C. GRCh37 (hg19) VCF-style: chr1-235969344-T-C.
Other names: c.3092A>G, p.Lys1031Arg (NM_001301365.1); short protein forms K1031R.
Identifiers: ClinVar variation 1348415 (VCV001348415.7), dbSNP rs746751530, ClinGen allele CA1467143.

ClinVar aggregate classification (germline): Uncertain significance (1 of 4 stars; one submission).

Conditions:
Chédiak-Higashi syndrome (CHS). Also called: Chediak-Higashi Syndrome. Identifiers: Orphanet 167, MedGen C0007965, MONDO:0008963, OMIM 214500.

Allele frequency attached by ClinVar (database versions not stated): gnomAD exomes below 0.00001; ExAC 0.00002.
gnomAD v4.1: 5 of 1,613,918 alleles (0.00031%); highest among the groups gnomAD compares: African/African-American, 0.0013%; no homozygotes.

Submission:

Labcorp Genetics (formerly Invitae), Labcorp
Classification: Uncertain significance for Chédiak-Higashi syndrome. Last evaluated: 2025-09-01. Review status: criteria provided, single submitter. Criteria: Invitae Variant Classification Sherloc (09022015). Collection method: clinical testing. Allele origin: germline.
Comment: This sequence change replaces lysine, which is basic and polar, with arginine, which is basic and polar, at codon 1031 of the LYST protein (p.Lys1031Arg). This variant is present in population databases (rs746751530, gnomAD 0.009%). This variant has not been reported in the literature in individuals affected with LYST-related conditions. ClinVar contains an entry for this variant (Variation ID: 1348415). An algorithm developed to predict the effect of missense changes on protein structure and function (PolyPhen-2) suggests that this variant is likely to be tolerated. In summary, the available evidence is currently insufficient to determine the role of this variant in disease. Therefore, it has been classified as a Variant of Uncertain Significance.